The following is an entry in ClinVar:

NM_001034853.2(RPGR):c.3114_3117del (p.Gly1039fs)

Gene: RPGR (retinitis pigmentosa GTPase regulator; minus strand). Cytogenetic location: Xp11.4.
Variant type: Microsatellite.
Coding change: c.3114_3117del on transcript NM_001034853.2 (MANE Select); coding-DNA positions 3114 to 3117, 4 bases deleted (AGGA; older notation c.3114_3117delAGGA).
Protein change: p.Gly1039fs; shifts the reading frame from glycine 1039.
Molecular consequence: frameshift variant. On other transcripts: intron variant (8).
Genome position (GRCh38, 1-based): chrX:38,285,882-38,285,885, TCCT deleted on the plus strand (AGGA on the coding strand, the reverse complement: RPGR is on the minus strand); deleting any 4 consecutive bases within chrX:38,285,882-38,285,889 gives the same sequence; the c. name uses the placement nearest the transcript's 3' end. VCF-style (leftmost placement, unchanged base first): chrX-38285881-CTCCT-C. GRCh37 (hg19) VCF-style: chrX-38145134-CTCCT-C.
Other names: c.1569+5074_1569+5077del (NM_001367249.1, NM_001367250.1); c.1902+1209_1902+1212del (NM_001367245.1); c.1386+5074_1386+5077del (NM_001367251.1); c.1719+1209_1719+1212del (NM_001367246.1); c.1572+5074_1572+5077del (NM_001367247.1); c.1905+1209_1905+1212del (NM_000328.3); c.1602+5074_1602+5077del (NM_001367248.1); short protein forms G1039fs.
Identifiers: ClinVar variation 3249177 (VCV003249177.2).

ClinVar aggregate classification (germline): Pathogenic. Review status: criteria provided, single submitter (1 of 4 stars). 2 submissions from 2 submitters: Pathogenic (1). 1 of the submissions does not count toward it. Last evaluated 2025-11-03.

Conditions:
Retinal dystrophy. Also called: Inherited retinal dystrophy. Identifiers: Orphanet 71862, MedGen C0854723, MeSH D058499, MONDO:0019118, HP:0000556.
Primary ciliary dyskinesia. Also called: Ciliary dyskinesia. Identifiers: Orphanet 244, MedGen C0008780, MONDO:0016575, HP:0012265.

Submissions (2):

Labcorp Genetics (formerly Invitae), Labcorp
Classification: Pathogenic for Primary ciliary dyskinesia. Last evaluated: 2025-11-03. Review status: criteria provided, single submitter. Criteria: Invitae Variant Classification Sherloc (09022015). Collection method: clinical testing. Allele origin: germline.
Comment: This sequence change creates a premature translational stop signal (p.Gly1039Argfs*49) in the RPGR (ORF15) gene. While this is not anticipated to result in nonsense mediated decay, it is expected to disrupt the last 114 amino acid(s) of the RPGR (ORF15) protein. This variant is not present in population databases (gnomAD no frequency). This variant has not been reported in the literature in individuals affected with RPGR (ORF15)-related conditions. ClinVar contains an entry for this variant (Variation ID: 3249177). This variant disrupts a region of the RPGR (ORF15) protein in which other variant(s) (p.Ser1107Valfs*4) have been determined to be pathogenic (PMID: 15734019, 21866333). This suggests that this is a clinically significant region of the protein, and that variants that disrupt it are likely to be disease-causing. For these reasons, this variant has been classified as Pathogenic.

Institute of Human Genetics, Univ. Regensburg, Univ. Regensburg
Classification: Pathogenic for Retinal dystrophy. Last evaluated: 2022-01-01. Review status: no assertion criteria provided. Criteria: ACMG Guidelines, 2015. Collection method: clinical testing. Allele origin: germline. Affected: yes. Not counted in ClinVar's aggregate classification.

Literature cited by the submitters: PubMed 15734019 (cited by Labcorp Genetics (formerly Invitae), Labcorp); PubMed 21866333 (cited by Labcorp Genetics (formerly Invitae), Labcorp).